The following is an entry in ClinVar:

NC_000002.11:g.(?_215617161)_(215674293_?)del

Gene: BARD1 (BRCA1 associated RING domain 1; minus strand). Cytogenetic location: 2q35.
Variant type: Deletion.
Identifiers: ClinVar variation 1070150 (VCV001070150.3).

ClinVar aggregate classification (germline): Pathogenic (1 of 4 stars; one submission).

Conditions:
Familial cancer of breast. Also called: hereditary breast carcinoma; BREAST CANCER, FAMILIAL; Hereditary breast cancer. Identifiers: Orphanet 227535, MedGen C0346153, MONDO:0016419, OMIM 114480. Disease mechanism: loss of function.

Submission:

Labcorp Genetics (formerly Invitae), Labcorp
Classification: Pathogenic for Familial cancer of breast. Last evaluated: 2020-03-06. Review status: criteria provided, single submitter. Criteria: Invitae Variant Classification Sherloc (09022015). Collection method: clinical testing. Allele origin: germline.
Comment: This variant is a gross deletion of the genomic region encompassing exons 1-7 of the BARD1 gene, which includes the initiator codon. The 5' end of this event is unknown as it extends beyond the assayed region for this gene and therefore may encompass additional genes. The 3' boundary is likely confined to intron 7 of the BARD1 gene. This is expected to result in an absent or disrupted protein product. This variant has not been reported in the literature in individuals with BARD1-related disease. Loss-of-function variants in BARD1 are known to be pathogenic (PMID: 20077502, 21344236). For these reasons, this variant has been classified as Pathogenic.

Literature cited by the submitters: PubMed 20077502; PubMed 21344236.